The following is an entry in ClinVar:

ClinVar aggregate classification (germline): Uncertain significance. Review status: criteria provided, multiple submitters, no conflicts (2 of 4 stars). 2 submissions from 2 submitters: Uncertain significance (2). Last evaluated 2025-04-09.

Conditions:
Cardiovascular phenotype. Identifiers: MedGen CN230736.

Submissions (2):

Ambry Genetics
Classification: Uncertain significance for Cardiovascular phenotype. Last evaluated: 2025-04-09. Review status: criteria provided, single submitter. Criteria: Ambry Variant Classification Scheme 2023. Collection method: clinical testing. Allele origin: germline.
Comment: The p.R454L variant (also known as c.1361G>T), located in coding exon 11 of the MYH6 gene, results from a G to T substitution at nucleotide position 1361. The arginine at codon 454 is replaced by leucine, an amino acid with dissimilar properties. This amino acid position is highly conserved in available vertebrate species. In addition, this alteration is predicted to be deleterious by in silico analysis. Based on the available evidence, the clinical significance of this variant remains unclear.

Clinical Genetics Laboratory, Skane University Hospital Lund
Classification: Uncertain significance. Last evaluated: 2022-05-27. Review status: criteria provided, single submitter. Criteria: ACMG Guidelines, 2015. Collection method: clinical testing. Allele origin: germline. Affected: yes.

NM_002471.4(MYH6):c.1361G>T (p.Arg454Leu)

Gene: MYH6 (myosin heavy chain 6; minus strand). Cytogenetic location: 14q11.2.
Variant type: single nucleotide variant.
Coding change: c.1361G>T on transcript NM_002471.4 (MANE Select); coding-DNA position 1361, G replaced by T.
Protein change: p.Arg454Leu; replaces arginine 454 with leucine.
Molecular consequence: missense variant.
Genome position (GRCh38, 1-based): chr14:23,400,758, C>A on the plus strand (G>T on the coding strand, the complement: MYH6 is on the minus strand). VCF-style: chr14-23400758-C-A. GRCh37 (hg19) VCF-style: chr14-23869967-C-A.
Other names: short protein forms R454L.
Identifiers: ClinVar variation 3337357 (VCV003337357.2).